The following is an entry in ClinVar:

NM_014053.4(FLVCR1):c.346C>G (p.Leu116Val)

Gene: FLVCR1 (FLVCR choline and heme transporter 1; plus strand). Cytogenetic location: 1q32.3.
Variant type: single nucleotide variant.
Coding change: c.346C>G on transcript NM_014053.4 (MANE Select); coding-DNA position 346, C replaced by G.
Protein change: p.Leu116Val; replaces leucine 116 with valine.
Molecular consequence: missense variant.
Genome position (GRCh38, 1-based): chr1:212,858,798, C>G. VCF-style: chr1-212858798-C-G. GRCh37 (hg19) VCF-style: chr1-213032140-C-G.
Other names: short protein forms L116V.
Identifiers: ClinVar variation 1513867 (VCV001513867.6), dbSNP rs150645228, ClinGen allele CA344795851.

ClinVar aggregate classification (germline): Uncertain significance (1 of 4 stars; one submission).

Submission:

Labcorp Genetics (formerly Invitae), Labcorp
Classification: Uncertain significance. Last evaluated: 2025-08-04. Review status: criteria provided, single submitter. Criteria: Invitae Variant Classification Sherloc (09022015). Collection method: clinical testing. Allele origin: germline.
Comment: This sequence change replaces leucine, which is neutral and non-polar, with valine, which is neutral and non-polar, at codon 116 of the FLVCR1 protein (p.Leu116Val). This variant is not present in population databases (gnomAD no frequency). This variant has not been reported in the literature in individuals affected with FLVCR1-related conditions. ClinVar contains an entry for this variant (Variation ID: 1513867). Invitae Evidence Modeling of protein sequence and biophysical properties (such as structural, functional, and spatial information, amino acid conservation, physicochemical variation, residue mobility, and thermodynamic stability) indicates that this missense variant is not expected to disrupt FLVCR1 protein function with a negative predictive value of 80%. In summary, the available evidence is currently insufficient to determine the role of this variant in disease. Therefore, it has been classified as a Variant of Uncertain Significance.